The following is an entry in ClinVar:

NM_004456.5(EZH2):c.124T>C (p.Phe42Leu)

Gene: EZH2 (enhancer of zeste 2 polycomb repressive complex 2 subunit; minus strand). Cytogenetic location: 7q36.1.
Variant type: single nucleotide variant.
Coding change: c.124T>C on transcript NM_004456.5 (MANE Select); coding-DNA position 124, T replaced by C.
Protein change: p.Phe42Leu; replaces phenylalanine 42 with leucine.
Molecular consequence: missense variant.
Genome position (GRCh38, 1-based): chr7:148,846,592, A>G on the plus strand (T>C on the coding strand, the complement: EZH2 is on the minus strand). VCF-style: chr7-148846592-A-G. GRCh37 (hg19) VCF-style: chr7-148543684-A-G.
Other names: c.124T>C, p.Phe42Leu (NM_001203247.2, NM_001203248.2, NM_001203249.2 and 1 more transcripts); short protein forms F42L.
Identifiers: ClinVar variation 4778220 (VCV004778220.1).
Genomic context (GRCh38, chr7:148,846,592, plus strand): 5'-GTTTCCATTCTTGGTTTAAGATTTCCGTTCTTTCCAAAATTTTCTGACGATTGGAACTAA[A>G]CATACTCTTAAAAAAAAAAATGAAGGAGAGGAAAGGAGAAATTGTTCATTGTTAGAAAAT-3'
Protein context (NP_004447.2, residues 32-52): FRRADEVKSM[Phe42Leu]SSNRQKILER

ClinVar aggregate classification (germline): Uncertain significance (1 of 4 stars; one submission).

Conditions:
Weaver syndrome (WVS). Also called: Weaver Smith syndrome; Overgrowth syndrome with accelerated skeletal maturation, unusual facies, and camptodactyly. Identifiers: Orphanet 3447, MedGen C0265210, MONDO:0010193, OMIM 277590.

Submission:

Labcorp Genetics (formerly Invitae), Labcorp
Classification: Uncertain significance for Weaver syndrome. Last evaluated: 2025-11-13. Review status: criteria provided, single submitter. Criteria: Invitae Variant Classification Sherloc (09022015). Collection method: clinical testing. Allele origin: germline.
Comment: This sequence change replaces phenylalanine, which is neutral and non-polar, with leucine, which is neutral and non-polar, at codon 42 of the EZH2 protein (p.Phe42Leu). This variant is not present in population databases (gnomAD no frequency). This variant has not been reported in the literature in individuals affected with EZH2-related conditions. Invitae Evidence Modeling of protein sequence and biophysical properties (such as structural, functional, and spatial information, amino acid conservation, physicochemical variation, residue mobility, and thermodynamic stability) indicates that this missense variant is not expected to disrupt EZH2 protein function with a negative predictive value of 80%. In summary, the available evidence is currently insufficient to determine the role of this variant in disease. Therefore, it has been classified as a Variant of Uncertain Significance.